The following is an entry in ClinVar:

NM_004991.4(MECOM):c.539C>T (p.Ala180Val)

Gene: MECOM (MDS1 and EVI1 complex locus; minus strand). Cytogenetic location: 3q26.2.
Variant type: single nucleotide variant.
Coding change: c.539C>T on transcript NM_004991.4 (MANE Select); coding-DNA position 539, C replaced by T.
Protein change: p.Ala180Val; replaces alanine 180 with valine.
Molecular consequence: missense variant. On other transcripts: 5 prime UTR variant (12).
Genome position (GRCh38, 1-based): chr3:169,131,503, G>A on the plus strand (C>T on the coding strand, the complement: MECOM is on the minus strand). VCF-style: chr3-169131503-G-A. GRCh37 (hg19) VCF-style: chr3-168849291-G-A.
Other names: c.167C>T, p.Ala56Val (NM_001105077.4); c.-26C>T (NM_001105078.4, NM_001163999.2, NM_001164000.2 and 9 more transcripts); c.539C>T, p.Ala180Val (NM_001366466.2, NM_001366473.2); short protein forms A180V, A56V.
Identifiers: ClinVar variation 3394325 (VCV003394325.1).

ClinVar aggregate classification (germline): Uncertain significance (1 of 4 stars; one submission).

Conditions:
Inborn genetic diseases. Identifiers: MedGen C0950123, MeSH D030342.

gnomAD v4.1: 26 of 1,613,498 alleles (0.0016%); highest among the groups gnomAD compares: South Asian, 0.019%; no homozygotes.

Submission:

Ambry Genetics
Classification: Uncertain significance for Inborn genetic diseases. Last evaluated: 2024-11-26. Review status: criteria provided, single submitter. Criteria: Ambry Variant Classification Scheme 2023. Collection method: clinical testing. Allele origin: germline.
Comment: The p.A180V variant (also known as c.539C>T), located in coding exon 4 of the MECOM gene, results from a C to T substitution at nucleotide position 539. The alanine at codon 180 is replaced by valine, an amino acid with similar properties. This amino acid position is conserved. In addition, this alteration is predicted to be tolerated by in silico analysis. Based on the available evidence, the clinical significance of this variant remains unclear.